The following is an entry in ClinVar:

ClinVar aggregate classification (germline): Uncertain significance (1 of 4 stars; one submission).

Conditions:
Landau-Kleffner syndrome (FESD). Also called: EPILEPSY, FOCAL, WITH SPEECH DISORDER AND WITH OR WITHOUT MENTAL RETARDATION; APHASIA, ACQUIRED, WITH EPILEPSY. Identifiers: Orphanet 1945, Orphanet 725, Orphanet 98818, MedGen C0282512, MONDO:0009509, OMIM 245570.

Allele frequency attached by ClinVar (database versions not stated): gnomAD exomes below 0.00001; ExAC 0.00001; TOPMed 0.00001.
gnomAD v4.1: 1 of 1,613,612 alleles (0.000062%); highest among the groups gnomAD compares: African/African-American, 0.0013%; no homozygotes.

Submission:

Labcorp Genetics (formerly Invitae), Labcorp
Classification: Uncertain significance for Landau-Kleffner syndrome. Last evaluated: 2022-05-05. Review status: criteria provided, single submitter. Criteria: Invitae Variant Classification Sherloc (09022015). Collection method: clinical testing. Allele origin: germline.
Comment: This variant is present in population databases (rs747167223, gnomAD 0.007%). This sequence change replaces threonine, which is neutral and polar, with isoleucine, which is neutral and non-polar, at codon 481 of the GRIN2A protein (p.Thr481Ile). This missense change has been observed in individual(s) with clinical features of GRIN2A-related conditions (Invitae). Advanced modeling of protein sequence and biophysical properties (such as structural, functional, and spatial information, amino acid conservation, physicochemical variation, residue mobility, and thermodynamic stability) performed at Invitae indicates that this missense variant is expected to disrupt GRIN2A protein function. In summary, the available evidence is currently insufficient to determine the role of this variant in disease. Therefore, it has been classified as a Variant of Uncertain Significance.

NM_001134407.3(GRIN2A):c.1442C>T (p.Thr481Ile)

Gene: GRIN2A (glutamate ionotropic receptor NMDA type subunit 2A; minus strand). Cytogenetic location: 16p13.2.
Variant type: single nucleotide variant.
Coding change: c.1442C>T on transcript NM_001134407.3 (MANE Select); coding-DNA position 1442, C replaced by T.
Protein change: p.Thr481Ile; replaces threonine 481 with isoleucine.
Molecular consequence: missense variant.
Genome position (GRCh38, 1-based): chr16:9,840,991, G>A on the plus strand (C>T on the coding strand, the complement: GRIN2A is on the minus strand). VCF-style: chr16-9840991-G-A. GRCh37 (hg19) VCF-style: chr16-9934848-G-A.
Other names: c.1442C>T, p.Thr481Ile (NM_001134408.2, NM_000833.5); short protein forms T481I.
Identifiers: ClinVar variation 2146964 (VCV002146964.4), dbSNP rs747167223, ClinGen allele CA7896725.
Genomic context (GRCh38, chr16:9,840,991, plus strand): 5'-CTTACTTCACCGATCATTCCATTCCACACATTGTTAACTTTCTTGCCATGCTTCCCATTG[G>A]TCACCAGATAGAGGTCGTAAGTAAACTTCACAGTTCTGGAAAGCTTCTTCAGAATATCAA-3'
Protein context (NP_001127879.1, residues 471-491): VKFTYDLYLV[Thr481Ile]NGKHGKKVNN